The following is an entry in ClinVar:

NM_001040108.2(MLH3):c.4011+1G>A

Gene: MLH3 (mutL homolog 3; minus strand). Cytogenetic location: 14q24.3.
Variant type: single nucleotide variant.
Coding change: c.4011+1G>A on transcript NM_001040108.2 (MANE Select); the canonical splice donor site of the intron after coding-DNA position 4011, G replaced by A.
Molecular consequence: splice donor variant.
Genome position (GRCh38, 1-based): chr14:75,022,994, C>T on the plus strand (G>A on the coding strand, the complement: MLH3 is on the minus strand). VCF-style: chr14-75022994-C-T. GRCh37 (hg19) VCF-style: chr14-75489697-C-T.
Other names: NC_000014.8:g.75489697C>T; c.4011+1G>A (NM_001040108.1); c.3939+1G>A (NM_014381.3).
Identifiers: ClinVar variation 4399299 (VCV004399299.3).
Genomic context (GRCh38, chr14:75,022,994, plus strand): 5'-CAACGAAGCCTTTTATGTGTGGTGCTTCTGTGTGAAACCCCAAAATAAAGGAAAAGCTTA[C>T]CTCCAGTTGTTCTCGGATAAATTCCTGCAAAGCAAAAGGAAAATCGGCTTTAATCTACGG-3'

ClinVar aggregate classification (germline): Uncertain significance (1 of 4 stars; one submission).

Submissions (2):

Ambry Genetics
Classification: Uncertain significance. Last evaluated: 2026-06-22. Review status: criteria provided, single submitter. Criteria: Ambry Variant Classification Scheme 2023. Collection method: clinical testing. Allele origin: germline.
Comment: The c.4011+1G>A intronic variant results from a G to A substitution one nucleotide after coding exon 9 of the MLH3 gene. Variants that disrupt the canonical splice site are expected to result in aberrant splicing. In silico splice site analysis predicts that this alteration will weaken the native splice donor site. A resulting transcript is predicted to be in-frame and is not expected to trigger nonsense-mediated mRNAdecay; although, direct evidence is currently unavailable. This nucleotide position is highly conserved in available vertebrate species. Based on the available evidence, the clinical significance of this variant remains unclear.

Dr. Peter K. Rogan Lab, Western University
No classification provided (evidence only). Condition: Nonpapillary renal cell carcinoma. Review status: no classification provided. Collection method: in vitro. Allele origin: not applicable. Functional consequence: retained intron. Not counted in ClinVar's aggregate classification.